The following is an entry in ClinVar:

ClinVar aggregate classification (germline): Uncertain significance (1 of 4 stars; one submission).

Submission:

Labcorp Genetics (formerly Invitae), Labcorp
Classification: Uncertain significance. Last evaluated: 2024-02-24. Review status: criteria provided, single submitter. Criteria: Invitae Variant Classification Sherloc (09022015). Collection method: clinical testing. Allele origin: germline.
Comment: This sequence change replaces lysine, which is basic and polar, with arginine, which is basic and polar, at codon 279 of the HOXB13 protein (p.Lys279Arg). This variant is present in population databases (no rsID available, gnomAD 0.006%). This variant has not been reported in the literature in individuals affected with HOXB13-related conditions. An algorithm developed to predict the effect of missense changes on protein structure and function (PolyPhen-2) suggests that this variant is likely to be disruptive. In summary, the available evidence is currently insufficient to determine the role of this variant in disease. Therefore, it has been classified as a Variant of Uncertain Significance.

NM_006361.6(HOXB13):c.836A>G (p.Lys279Arg)

Gene: HOXB13 (homeobox B13; minus strand). Cytogenetic location: 17q21.32.
Variant type: single nucleotide variant.
Coding change: c.836A>G on transcript NM_006361.6 (MANE Select); coding-DNA position 836, A replaced by G.
Protein change: p.Lys279Arg; replaces lysine 279 with arginine.
Molecular consequence: missense variant.
Genome position (GRCh38, 1-based): chr17:48,726,809, T>C on the plus strand (A>G on the coding strand, the complement: HOXB13 is on the minus strand). VCF-style: chr17-48726809-T-C. GRCh37 (hg19) VCF-style: chr17-46804171-T-C.
Other names: short protein forms K279R.
Identifiers: ClinVar variation 3643040 (VCV003643040.2).